The following is an entry in ClinVar:

NM_018006.5(TRMU):c.967C>T (p.Arg323Trp)

Gene: TRMU (tRNA mitochondrial 2-thiouridylase; plus strand). Cytogenetic location: 22q13.31.
Variant type: single nucleotide variant.
Coding change: c.967C>T on transcript NM_018006.5 (MANE Select); coding-DNA position 967, C replaced by T.
Protein change: p.Arg323Trp; replaces arginine 323 with tryptophan.
Molecular consequence: missense variant. On other transcripts: non-coding transcript variant (2).
Genome position (GRCh38, 1-based): chr22:46,355,537, C>T. VCF-style: chr22-46355537-C-T. GRCh37 (hg19) VCF-style: chr22-46751434-C-T.
Other names: c.*411C>T (NM_001008568.2); c.*505C>T (NM_001008570.2); c.625C>T, p.Arg209Trp (NM_001282782.2); c.547C>T, p.Arg183Trp (NM_001282783.2, NM_001282784.2); c.967C>T, p.Arg323Trp (NM_001282785.2); short protein forms R323W, R183W, R209W.
Identifiers: ClinVar variation 2084586 (VCV002084586.1), dbSNP rs769241192, ClinGen allele CA325126908.
Genomic context (GRCh38, chr22:46,355,537, plus strand): 5'-GACCTGCTGAGGACCAGCCGCGTGCACTGGATTGCGGAGGAGCCTCCCGCAGCACTGGTC[C>T]GGGACAAGATGATGGAGTGCCACTTCCGATTCCGCCACCAGATGGCACTAGGTGACTGAC-3'
Protein context (NP_060476.2, residues 313-333): IAEEPPAALV[Arg323Trp]DKMMECHFRF

ClinVar aggregate classification (germline): Uncertain significance (1 of 4 stars; one submission).

Allele frequency attached by ClinVar (database versions not stated): TOPMed 0.00001; gnomAD 0.00002.

Submission:

Labcorp Genetics (formerly Invitae), Labcorp
Classification: Uncertain significance. Last evaluated: 2021-12-12. Review status: criteria provided, single submitter. Criteria: Invitae Variant Classification Sherloc (09022015). Collection method: clinical testing. Allele origin: germline.
Comment: This sequence change replaces arginine, which is basic and polar, with tryptophan, which is neutral and slightly polar, at codon 323 of the TRMU protein (p.Arg323Trp). The frequency data for this variant in the population databases is considered unreliable, as metrics indicate poor data quality at this position in the gnomAD database. This variant has not been reported in the literature in individuals affected with TRMU-related conditions. Algorithms developed to predict the effect of missense changes on protein structure and function are either unavailable or do not agree on the potential impact of this missense change (SIFT: "Deleterious"; PolyPhen-2: "Probably Damaging"; Align-GVGD: "Class C0"). In summary, the available evidence is currently insufficient to determine the role of this variant in disease. Therefore, it has been classified as a Variant of Uncertain Significance.